The following is an entry in ClinVar:

ClinVar aggregate classification (germline): Pathogenic (1 of 4 stars; one submission).

Submission:

Labcorp Genetics (formerly Invitae), Labcorp
Classification: Pathogenic. Last evaluated: 2023-03-17. Review status: criteria provided, single submitter. Criteria: Invitae Variant Classification Sherloc (09022015). Collection method: clinical testing. Allele origin: germline.
Comment: This variant has not been reported in the literature in individuals affected with CEP152-related conditions. This variant is not present in population databases (gnomAD no frequency). This sequence change creates a premature translational stop signal (p.Gln93*) in the CEP152 gene. It is expected to result in an absent or disrupted protein product. Loss-of-function variants in CEP152 are known to be pathogenic (PMID: 21131973). For these reasons, this variant has been classified as Pathogenic.

Literature cited by the submitters: PubMed 21131973.

NM_001194998.2(CEP152):c.277C>T (p.Gln93Ter)

Gene: CEP152 (centrosomal protein 152; minus strand). Cytogenetic location: 15q21.1.
Variant type: single nucleotide variant.
Coding change: c.277C>T on transcript NM_001194998.2 (MANE Select); coding-DNA position 277, C replaced by T.
Protein change: p.Gln93Ter; replaces glutamine 93 with a stop codon.
Molecular consequence: nonsense.
Genome position (GRCh38, 1-based): chr15:48,797,564, G>A on the plus strand (C>T on the coding strand, the complement: CEP152 is on the minus strand). VCF-style: chr15-48797564-G-A. GRCh37 (hg19) VCF-style: chr15-49089761-G-A.
Other names: c.277C>T, p.Gln93Ter (NM_014985.4); short protein forms Q93*.
Identifiers: ClinVar variation 2846540 (VCV002846540.3), dbSNP rs2504930584, ClinGen allele CA392358241.